The following is an entry in ClinVar:

NM_002386.4(MC1R):c.815_826del (p.Thr272_Cys275del)

Gene: MC1R (melanocortin 1 receptor; plus strand). Cytogenetic location: 16q24.3.
Variant type: Deletion.
Coding change: c.815_826del on transcript NM_002386.4 (MANE Select); coding-DNA positions 815 to 826, 12 bases deleted (CGTGCGGCTGCA).
Protein change: p.Thr272_Cys275del.
Molecular consequence: inframe deletion.
Genome position (GRCh38, 1-based): chr16:89,920,073-89,920,084, CGTGCGGCTGCA deleted; deleting any 12 consecutive bases within chr16:89,920,071-89,920,084 gives the same sequence; the c. name uses the placement nearest the transcript's 3' end. VCF-style (leftmost placement, unchanged base first): chr16-89920070-CCACGTGCGGCTG-C. GRCh37 (hg19) VCF-style: chr16-89986478-CCACGTGCGGCTG-C.
Identifiers: ClinVar variation 938364 (VCV000938364.9), dbSNP rs765016133, ClinGen allele CA8255756.

ClinVar aggregate classification (germline): Uncertain significance (1 of 4 stars; one submission).

Conditions:
Melanoma, cutaneous malignant, susceptibility to, 5. Also called: Cutaneous malignant melanoma 5. Identifiers: Orphanet 618, MedGen C2751295, MONDO:0013133, OMIM 613099.

Submission:

Labcorp Genetics (formerly Invitae), Labcorp
Classification: Uncertain significance for Melanoma, cutaneous malignant, susceptibility to, 5. Last evaluated: 2019-06-21. Review status: criteria provided, single submitter. Criteria: Invitae Variant Classification Sherloc (09022015). Collection method: clinical testing. Allele origin: germline.
Comment: This variant, c.815_826del, results in the deletion of 4 amino acid(s) of the MC1R protein (p.Thr272_Cys275del), but otherwise preserves the integrity of the reading frame. The frequency data for this variant in the population databases is considered unreliable, as metrics indicate poor data quality at this position in the ExAC database. This variant has not been reported in the literature in individuals with MC1R-related conditions. Experimental studies and prediction algorithms are not available or were not evaluated for this variant, and the functional significance of the affected amino acid(s) is currently unknown. In summary, the available evidence is currently insufficient to determine the role of this variant in disease. Therefore, it has been classified as a Variant of Uncertain Significance.